The following is an entry in ClinVar:

NM_001040716.2(PC):c.908del (p.Gly303fs)

Gene: PC (pyruvate carboxylase; minus strand). Cytogenetic location: 11q13.2.
Variant type: Deletion.
Coding change: c.908del on transcript NM_001040716.2 (MANE Select); coding-DNA position 908, one base deleted (G; older notation c.908delG).
Protein change: p.Gly303fs; shifts the reading frame from glycine 303.
Molecular consequence: frameshift variant.
Genome position (GRCh38, 1-based): chr11:66,868,960, C deleted on the plus strand (G on the coding strand, the reverse complement: PC is on the minus strand); the first of 3 consecutive C bases (chr11:66,868,960-66,868,962); deleting any one gives the same sequence. VCF-style (leftmost placement, unchanged base first): chr11-66868959-GC-G. GRCh37 (hg19) VCF-style: chr11-66636430-GC-G.
Other names: c.908del, p.Gly303fs (NM_000920.4, NM_022172.3); short protein forms G303fs.
Identifiers: ClinVar variation 1705425 (VCV001705425.4), dbSNP rs2495743452, ClinGen allele CA2580084571.

ClinVar aggregate classification (germline): Pathogenic/Likely pathogenic. Review status: criteria provided, multiple submitters, no conflicts (2 of 4 stars). 2 submissions from 2 submitters: Pathogenic (1); Likely pathogenic (1). Last evaluated 2023-09-27.

Conditions:
Pyruvate carboxylase deficiency. Also called: ATAXIA WITH LACTIC ACIDOSIS II; PC DEFICIENCY; Pyruvate Carboxylase Deficiency Disease; LEIGH NECROTIZING ENCEPHALOPATHY DUE TO PYRUVATE CARBOXYLASE DEFICIENCY; LEIGH SYNDROME DUE TO PYRUVATE CARBOXYLASE DEFICIENCY. Identifiers: Orphanet 3008, MedGen C0034341, MONDO:0009949, OMIM 266150.

Submissions (2):

Labcorp Genetics (formerly Invitae), Labcorp
Classification: Pathogenic for Pyruvate carboxylase deficiency. Last evaluated: 2023-09-27. Review status: criteria provided, single submitter. Criteria: Invitae Variant Classification Sherloc (09022015). Collection method: clinical testing. Allele origin: germline.
Comment: This sequence change creates a premature translational stop signal (p.Gly303Alafs*40) in the PC gene. It is expected to result in an absent or disrupted protein product. Loss-of-function variants in PC are known to be pathogenic (PMID: 12112657, 19306334). This variant is not present in population databases (gnomAD no frequency). This variant has not been reported in the literature in individuals affected with PC-related conditions. ClinVar contains an entry for this variant (Variation ID: 1705425). For these reasons, this variant has been classified as Pathogenic.

3billion
Classification: Likely pathogenic for Pyruvate carboxylase deficiency. Last evaluated: 2022-09-01. Review status: criteria provided, single submitter. Criteria: ACMG Guidelines, 2015. Collection method: clinical testing. Allele origin: germline. Affected: yes. Observed: 1 homozygote.
Comment: The variant is not observed in the gnomAD v2.1.1 dataset. Frameshift variant is predicted to result in a loss or disruption of normal protein function through nonsense-mediated decay (NMD) or protein truncation. Multiple pathogenic variants are reported downstream of the variant. Therefore, this variant is classified as Likely pathogenic according to the recommendation of ACMG/AMP guideline.

Literature cited by the submitters: PubMed 12112657 (cited by Labcorp Genetics (formerly Invitae), Labcorp); PubMed 19306334 (cited by Labcorp Genetics (formerly Invitae), Labcorp).